The following is an entry in ClinVar:

NM_177438.3(DICER1):c.2641C>T (p.Leu881Phe)

Gene: DICER1 (dicer 1, ribonuclease III; minus strand). Cytogenetic location: 14q32.13.
Variant type: single nucleotide variant.
Coding change: c.2641C>T on transcript NM_177438.3 (MANE Select); coding-DNA position 2641, C replaced by T.
Protein change: p.Leu881Phe; replaces leucine 881 with phenylalanine.
Molecular consequence: missense variant. On other transcripts: non-coding transcript variant (6).
Genome position (GRCh38, 1-based): chr14:95,107,889, G>A on the plus strand (C>T on the coding strand, the complement: DICER1 is on the minus strand). VCF-style: chr14-95107889-G-A. GRCh37 (hg19) VCF-style: chr14-95574226-G-A.
Other names: c.2641C>T, p.Leu881Phe (NM_001195573.1, NM_001271282.3, NM_001291628.2 and 13 more transcripts); c.2359C>T, p.Leu787Phe (NM_001395686.1); c.2236C>T, p.Leu746Phe (NM_001395687.1, NM_001395688.1, NM_001395689.1 and 2 more transcripts); c.2074C>T, p.Leu692Phe (NM_001395691.1); c.958C>T, p.Leu320Phe (NM_001395697.1); short protein forms L881F, L320F, L787F, L692F, L746F.
Identifiers: ClinVar variation 1794200 (VCV001794200.2), dbSNP rs1293281390, ClinGen allele CA390881131.

ClinVar aggregate classification (germline): Uncertain significance (1 of 4 stars; one submission).

Conditions:
Hereditary cancer-predisposing syndrome. Also called: Tumor predisposition; Hereditary Cancer Syndrome; Neoplastic Syndromes, Hereditary; Hereditary neoplastic syndrome. Identifiers: Orphanet 140162, MedGen C0027672, MeSH D009386, MONDO:0015356.

gnomAD v4.1: 1 of 1,613,700 alleles (0.000062%); highest among the groups gnomAD compares: Non-Finnish European, 0.000085%; no homozygotes.

Submission:

Ambry Genetics
Classification: Uncertain significance for Hereditary cancer-predisposing syndrome. Last evaluated: 2022-07-09. Review status: criteria provided, single submitter. Criteria: Ambry Variant Classification Scheme 2023. Collection method: clinical testing. Allele origin: germline.
Comment: The p.L881F variant (also known as c.2641C>T), located in coding exon 15 of the DICER1 gene, results from a C to T substitution at nucleotide position 2641. The leucine at codon 881 is replaced by phenylalanine, an amino acid with highly similar properties. This amino acid position is conserved. In addition, this alteration is predicted to be deleterious by in silico analysis. Since supporting evidence is limited at this time, the clinical significance of this alteration remains unclear.